The following is an entry in ClinVar:

NM_001197104.2(KMT2A):c.10414del (p.Gln3472fs)

Gene: KMT2A (lysine methyltransferase 2A; plus strand). Cytogenetic location: 11q23.3.
Variant type: Deletion.
Coding change: c.10414del on transcript NM_001197104.2 (MANE Select); coding-DNA position 10414, one base deleted (C; older notation c.10414delC).
Protein change: p.Gln3472fs; shifts the reading frame from glutamine 3472.
Molecular consequence: frameshift variant.
Genome position (GRCh38, 1-based): chr11:118,506,306, C deleted; the last of 3 consecutive C bases (chr11:118,506,304-118,506,306); deleting any one gives the same sequence. VCF-style (leftmost placement, unchanged base first): chr11-118506303-TC-T. GRCh37 (hg19) VCF-style: chr11-118377018-TC-T.
Other names: c.10504del, p.Gln3502fs (NM_001412597.1); c.10405del, p.Gln3469fs (NM_005933.4); short protein forms Q3469fs, Q3472fs, Q3502fs.
Identifiers: ClinVar variation 5020023 (VCV005020023.1).

ClinVar aggregate classification (germline): Pathogenic (1 of 4 stars; one submission).

Conditions:
Wiedemann-Steiner syndrome (WDSTS). Also called: Growth deficiency and mental retardation with facial dysmorphism. Identifiers: Orphanet 319182, MedGen C1854630, MONDO:0011518, OMIM 605130.

Submission:

Juno Genomics, Hangzhou Juno Genomics, Inc
Classification: Pathogenic for Wiedemann-Steiner syndrome. Review status: criteria provided, single submitter. Criteria: ACMG Guidelines, 2015. Collection method: clinical testing. Allele origin: germline. Affected: yes.
Comment: Absent from controls (or at extremely low frequency if recessive) in Genome Aggregation Database.;De novo (both maternity and paternity confirmed) in a patient with the disease and no family history.;Null variant in a gene where loss of function (LOF) is a known mechanism of disease.